The following is an entry in ClinVar:

ClinVar aggregate classification (germline): Uncertain significance. Review status: criteria provided, multiple submitters, no conflicts (2 of 4 stars). 2 submissions from 2 submitters: Uncertain significance (2). Last evaluated 2022-07-25.

Conditions:
Primary ciliary dyskinesia. Also called: Ciliary dyskinesia. Identifiers: Orphanet 244, MedGen C0008780, MONDO:0016575, HP:0012265.
Primary ciliary dyskinesia 15. Also called: CILIARY DYSKINESIA, PRIMARY, 15, WITH OR WITHOUT SITUS INVERSUS. Identifiers: Orphanet 244, MedGen C3151137, MONDO:0013435, OMIM 613808.

Allele frequency attached by ClinVar (database versions not stated): gnomAD 0.00001; ExAC 0.00002; gnomAD exomes 0.00002 and 0.00003; TOPMed 0.00002.
gnomAD v4.1: 25 of 1,613,704 alleles (0.0015%); highest among the groups gnomAD compares: East Asian, 0.0067%; no homozygotes.

Submissions (2):

Ambry Genetics
Classification: Uncertain significance for Primary ciliary dyskinesia. Last evaluated: 2022-07-25. Review status: criteria provided, single submitter. Criteria: Ambry Variant Classification Scheme 2023. Collection method: clinical testing. Allele origin: germline.
Comment: The p.R203H variant (also known as c.608G>A), located in coding exon 4 of the CCDC40 gene, results from a G to A substitution at nucleotide position 608. The arginine at codon 203 is replaced by histidine, an amino acid with highly similar properties. This amino acid position is conserved. In addition, this alteration is predicted to be tolerated by in silico analysis. Since supporting evidence is limited at this time, the clinical significance of this alteration remains unclear.

Illumina Laboratory Services, Illumina
Classification: Uncertain significance for Primary ciliary dyskinesia 15. Last evaluated: 2018-03-30. Review status: criteria provided, single submitter. Criteria: ICSL Variant Classification Criteria 13 December 2019. Collection method: clinical testing. Allele origin: germline.

NM_017950.4(CCDC40):c.608G>A (p.Arg203His)

Gene: CCDC40 (coiled-coil domain 40 molecular ruler complex subunit; plus strand). Cytogenetic location: 17q25.3.
Variant type: single nucleotide variant.
Coding change: c.608G>A on transcript NM_017950.4 (MANE Select); coding-DNA position 608, G replaced by A.
Protein change: p.Arg203His; replaces arginine 203 with histidine.
Molecular consequence: missense variant.
Genome position (GRCh38, 1-based): chr17:80,047,334, G>A. VCF-style: chr17-80047334-G-A. GRCh37 (hg19) VCF-style: chr17-78021133-G-A.
Other names: c.608G>A, p.Arg203His (NM_001243342.2, NM_001330508.2); short protein forms R203H.
Identifiers: ClinVar variation 890287 (VCV000890287.6), dbSNP rs764262876, ClinGen allele CA8813502.